The following is an entry in ClinVar:

ClinVar aggregate classification (germline): Conflicting classifications of pathogenicity. Review status: criteria provided, conflicting classifications (1 of 4 stars). 2 submissions from 2 submitters: Uncertain significance (1); Likely benign (1). Last evaluated 2022-08-01.

Allele frequency attached by ClinVar (database versions not stated): 1000 Genomes Project 0.00060; 1000 Genomes Project 30x 0.00062; gnomAD 0.00117; TOPMed 0.00119; ExAC 0.00128; ESP Exome Variant Server 0.00175; gnomAD exomes 0.00182.
gnomAD v4.1: 2,811 of 1,610,376 alleles (0.17%); highest among the groups gnomAD compares: Non-Finnish European, 0.2%; 2 homozygotes.

Submissions (2):

CeGaT Center for Human Genetics Tuebingen
Classification: Likely benign. Last evaluated: 2022-08-01. Review status: criteria provided, single submitter. Criteria: CeGaT Center For Human Genetics Tuebingen Variant Classification Criteria Version 2. Collection method: clinical testing. Allele origin: germline. Affected: yes. Observed: 1 variant allele.
Comment: PABPC1L: BS2

Ambry Genetics
Classification: Uncertain significance. Last evaluated: 2021-09-01. Review status: criteria provided, single submitter. Criteria: Ambry Variant Classification Scheme 2023. Collection method: clinical testing. Allele origin: germline.

NM_001372179.1(PABPC1L):c.200G>A (p.Arg67Gln)

Gene: PABPC1L (poly(A) binding protein cytoplasmic 1 like; plus strand). Cytogenetic location: 20q13.12.
Variant type: single nucleotide variant.
Coding change: c.200G>A on transcript NM_001372179.1 (MANE Select); coding-DNA position 200, G replaced by A.
Protein change: p.Arg67Gln; replaces arginine 67 with glutamine.
Molecular consequence: missense variant. On other transcripts: non-coding transcript variant (2).
Genome position (GRCh38, 1-based): chr20:44,912,666, G>A. VCF-style: chr20-44912666-G-A. GRCh37 (hg19) VCF-style: chr20-43541307-G-A.
Other names: NM_001124756.1:c.200G>A; short protein forms R67Q.
Identifiers: ClinVar variation 2398557 (VCV002398557.26), dbSNP rs185737007, ClinGen allele CA9872764.